The following is an entry in ClinVar:

ClinVar aggregate classification (germline): Uncertain significance (1 of 4 stars; one submission).

Allele frequency attached by ClinVar (database versions not stated): gnomAD exomes below 0.00001; TOPMed 0.00001; gnomAD 0.00003; ESP Exome Variant Server 0.00008.
gnomAD v4.1: 8 of 1,613,932 alleles (0.0005%); highest among the groups gnomAD compares: Non-Finnish European, 0.00068%; no homozygotes.

Submission:

GeneDx
Classification: Uncertain significance. Last evaluated: 2021-04-30. Review status: criteria provided, single submitter. Criteria: GeneDx Variant Classification Process June 2021. Collection method: clinical testing. Allele origin: germline. Affected: yes.
Comment: In silico analysis supports that this missense variant has a deleterious effect on protein structure/function; Has not been previously published as pathogenic or benign to our knowledge

NM_005993.5(TBCD):c.2111A>G (p.Gln704Arg)

Gene: TBCD (tubulin folding cofactor D). Cytogenetic location: 17q25.3.
Variant type: single nucleotide variant.
Coding change: c.2111A>G on transcript NM_005993.5 (MANE Select); coding-DNA position 2111, A replaced by G.
Protein change: p.Gln704Arg; replaces glutamine 704 with arginine.
Molecular consequence: missense variant.
Genome position (GRCh38, 1-based): chr17:82,921,510, A>G. VCF-style: chr17-82921510-A-G. GRCh37 (hg19) VCF-style: chr17-80879386-A-G.
Other names: short protein forms Q704R.
Identifiers: ClinVar variation 1314980 (VCV001314980.2), dbSNP rs372379384, ClinGen allele CA295293741.